The following is an entry in ClinVar:

ClinVar aggregate classification (germline): Pathogenic. Review status: criteria provided, multiple submitters, no conflicts (2 of 4 stars). 3 submissions from 3 submitters: Pathogenic (3). Last evaluated 2025-11-11.

Conditions:
X-linked Alport syndrome (ATS1). Also called: COL4A5-Related Nephropathy; NEPHROPATHY AND DEAFNESS, X-LINKED. Identifiers: Orphanet 63, Orphanet 88917, MedGen C4746986, MONDO:0010520, OMIM 301050.

Submissions (3):

3billion
Classification: Pathogenic for X-linked Alport syndrome. Last evaluated: 2025-11-11. Review status: criteria provided, single submitter. Criteria: ACMG Guidelines, 2015. Collection method: clinical testing. Allele origin: germline. Affected: yes.
Comment: The variant is not observed in the gnomAD v4.1.0 dataset. Predicted Consequence/Location: The variant is located in a mutational hot spot and/or well-established functional domain in which established pathogenic variants have been reported. In silico tool predictions suggest damaging effect of the variant on gene or gene product [REVEL: 1.00 (>=0.6, sensitivity 0.68 and specificity 0.92); 3Cnet: 0.99 (> 0.75, sensitivity 0.96 and precision 0.92)]. The same nucleotide change resulting in the same amino acid change has been previously reported as pathogenic/likely pathogenic with strong evidence (ClinVar ID: VCV000024383 /PMID: 7599631). Different missense changes at the same codon (p.Gly406Asp, p.Gly406Cys, p.Gly406Ser) have been reported as pathogenic/likely pathogenic with strong evidence (ClinVar ID: VCV001075944, VCV003382944 /PMID: 20884774, 22518824, 39764162). Therefore, this variant is classified as Pathogenic according to the recommendation of ACMG/AMP guideline.

Labcorp Genetics (formerly Invitae), Labcorp
Classification: Pathogenic. Last evaluated: 2022-05-15. Review status: criteria provided, single submitter. Criteria: Invitae Variant Classification Sherloc (09022015). Collection method: clinical testing. Allele origin: germline.
Comment: This variant disrupts the triple helix domain of COL4A5. Glycine residues within the Gly-Xaa-Yaa repeats of the triple helix domain are required for the structure and stability of fibrillar collagens (PMID: 7695699, 8218237, 19344236). In COL4A5, missense variants at these glycine residues are significantly enriched in individuals with disease (PMID: 23720012, 27627812) compared to the general population (ExAC). For these reasons, this variant has been classified as Pathogenic. This sequence change replaces glycine, which is neutral and non-polar, with valine, which is neutral and non-polar, at codon 406 of the COL4A5 protein (p.Gly406Val). Advanced modeling of protein sequence and biophysical properties (such as structural, functional, and spatial information, amino acid conservation, physicochemical variation, residue mobility, and thermodynamic stability) performed at Invitae indicates that this missense variant is expected to disrupt COL4A5 protein function. ClinVar contains an entry for this variant (Variation ID: 24383). This variant is also known as c.1420G>T, G406V. This missense change has been observed in individuals with Alport syndrome (PMID: 7599631; Invitae). This variant is not present in population databases (gnomAD no frequency).

Fulgent Genetics
Classification: Pathogenic for X-linked Alport syndrome. Last evaluated: 2021-12-09. Review status: criteria provided, single submitter. Criteria: ACMG Guidelines, 2015. Collection method: clinical testing. Allele origin: unknown.

Literature cited by the submitters: PubMed 20884774 (cited by 3billion); PubMed 7599631 (cited by 3billion and Labcorp Genetics (formerly Invitae), Labcorp); PubMed 7695699 (cited by Labcorp Genetics (formerly Invitae), Labcorp); PubMed 8218237 (cited by Labcorp Genetics (formerly Invitae), Labcorp); PubMed 19344236 (cited by Labcorp Genetics (formerly Invitae), Labcorp); PubMed 23720012 (cited by Labcorp Genetics (formerly Invitae), Labcorp); PubMed 27627812 (cited by Labcorp Genetics (formerly Invitae), Labcorp).

NM_033380.3(COL4A5):c.1217G>T (p.Gly406Val)

Gene: COL4A5 (collagen type IV alpha 5 chain; plus strand). Cytogenetic location: Xq22.3.
Variant type: single nucleotide variant.
Coding change: c.1217G>T on transcript NM_033380.3 (MANE Select); coding-DNA position 1217, G replaced by T.
Protein change: p.Gly406Val; replaces glycine 406 with valine.
Molecular consequence: missense variant.
Genome position (GRCh38, 1-based): chrX:108,591,109, G>T. VCF-style: chrX-108591109-G-T. GRCh37 (hg19) VCF-style: chrX-107834339-G-T.
Other names: c.1217G>T, p.Gly406Val (NM_000495.5); short protein forms G406V.
Identifiers: ClinVar variation 24383 (VCV000024383.12), dbSNP rs104886100, ClinGen allele CA258427.
Genomic context (GRCh38, chrX:108,591,109, plus strand): 5'-GAATCTTAGGGGCTGCAGTTATGGGTCCTCCTGGCCCTCCTGGATTTCCTGGAGAAAGGG[G>T]TCAGAAAGGTGATGAAGGACCACCTGGAATTTCCATTCCTGGACCTCCTGGACTTGACGG-3'
Protein context (NP_203699.1, residues 396-416): PGPPGFPGER[Gly406Val]QKGDEGPPGI